The following is an entry in ClinVar:

NM_004364.5(CEBPA):c.644A>G (p.Gln215Arg)

Gene: CEBPA (CCAAT enhancer binding protein alpha; minus strand). Cytogenetic location: 19q13.11.
Variant type: single nucleotide variant.
Coding change: c.644A>G on transcript NM_004364.5 (MANE Select); coding-DNA position 644, A replaced by G.
Protein change: p.Gln215Arg; replaces glutamine 215 with arginine.
Molecular consequence: missense variant.
Genome position (GRCh38, 1-based): chr19:33,301,771, T>C on the plus strand (A>G on the coding strand, the complement: CEBPA is on the minus strand). VCF-style: chr19-33301771-T-C. GRCh37 (hg19) VCF-style: chr19-33792677-T-C.
Other names: c.287A>G, p.Gln96Arg (NM_001285829.2); c.749A>G, p.Gln250Arg (NM_001287424.2); c.602A>G, p.Gln201Arg (NM_001287435.2); short protein forms Q201R, Q215R, Q250R, Q96R.
Identifiers: ClinVar variation 4868688 (VCV004868688.1).
Genomic context (GRCh38, chr19:33,301,771, plus strand): 5'-GGGCTGGGCACGGGCGTGGGCGGCGGCGTGGGGTGACCGGGCTGCAGGTGCATGGTGGTC[T>C]GGCCGCAGTGCGCGATCTGGAACTGCAGGTGCGGGGCGGCCAGGTGCGCGGGCGGCGGGT-3'
Protein context (NP_004355.2, residues 205-225): HLQFQIAHCG[Gln215Arg]TTMHLQPGHP

ClinVar aggregate classification (germline): Uncertain significance (1 of 4 stars; one submission).

Conditions:
Inborn genetic diseases. Identifiers: MedGen C0950123, MeSH D030342.

Submission:

Ambry Genetics
Classification: Uncertain significance for Inborn genetic diseases. Last evaluated: 2026-05-14. Review status: criteria provided, single submitter. Criteria: Ambry Variant Classification Scheme 2023. Collection method: clinical testing. Allele origin: germline.
Comment: The p.Q215R variant (also known as c.644A>G), located in coding exon 1 of the CEBPA gene, results from an A to G substitution at nucleotide position 644. The glutamine at codon 215 is replaced by arginine, an amino acid with highly similar properties. This amino acid position is conserved. In addition, this alteration is predicted to be tolerated by in silico analysis. Based on the available evidence, the clinical significance of this variant remains unclear.